The following is an entry in ClinVar:

NM_000719.7(CACNA1C):c.2345C>T (p.Ala782Val)

Gene: CACNA1C (calcium voltage-gated channel subunit alpha1 C; plus strand). Cytogenetic location: 12p13.33.
Variant type: single nucleotide variant.
Coding change: c.2345C>T on transcript NM_000719.7 (MANE Select); coding-DNA position 2345, C replaced by T.
Protein change: p.Ala782Val; replaces alanine 782 with valine.
Molecular consequence: missense variant.
Genome position (GRCh38, 1-based): chr12:2,585,381, C>T. VCF-style: chr12-2585381-C-T. GRCh37 (hg19) VCF-style: chr12-2694547-C-T.
Other names: c.2345C>T, p.Ala782Val (NM_001129827.2, NM_001129829.2, NM_001129830.3 and 18 more transcripts); c.2336C>T, p.Ala779Val (NM_001129844.2); short protein forms A779V, A782V.
Identifiers: ClinVar variation 4891037 (VCV004891037.1).

ClinVar aggregate classification (germline): Uncertain significance (1 of 4 stars; one submission).

gnomAD v4.1: 1 of 1,612,256 alleles (0.000062%); highest among the groups gnomAD compares: Non-Finnish European, 0.000085%; no homozygotes.

Submission:

Greenwood Genetic Center Diagnostic Laboratories, Greenwood Genetic Center
Classification: Uncertain significance. Last evaluated: 2026-04-28. Review status: criteria provided, single submitter. Criteria: ACMG Guidelines, 2015. Collection method: clinical testing. Allele origin: germline.
Comment: PM2, BP4, PP2